The following is an entry in ClinVar:

ClinVar aggregate classification (germline): Uncertain significance (1 of 4 stars; one submission).

Allele frequency attached by ClinVar (database versions not stated): ExAC 0.00001; gnomAD 0.00001; gnomAD exomes 0.00002.

Submission:

Labcorp Genetics (formerly Invitae), Labcorp
Classification: Uncertain significance. Last evaluated: 2022-12-18. Review status: criteria provided, single submitter. Criteria: Invitae Variant Classification Sherloc (09022015). Collection method: clinical testing. Allele origin: germline.
Comment: Algorithms developed to predict the effect of missense changes on protein structure and function (SIFT, PolyPhen-2, Align-GVGD) all suggest that this variant is likely to be tolerated. In summary, the available evidence is currently insufficient to determine the role of this variant in disease. Therefore, it has been classified as a Variant of Uncertain Significance. This variant is present in population databases (rs775896717, gnomAD 0.002%). This variant has not been reported in the literature in individuals affected with FOXP1-related conditions. This sequence change replaces proline, which is neutral and non-polar, with leucine, which is neutral and non-polar, at codon 91 of the FOXP1 protein (p.Pro91Leu).

NM_001349338.3(FOXP1):c.272C>T (p.Pro91Leu)

Gene: FOXP1 (forkhead box P1; minus strand). Cytogenetic location: 3p13.
Variant type: single nucleotide variant.
Coding change: c.272C>T on transcript NM_001349338.3 (MANE Select); coding-DNA position 272, C replaced by T.
Protein change: p.Pro91Leu; replaces proline 91 with leucine.
Molecular consequence: missense variant. On other transcripts: 5 prime UTR variant (5), non-coding transcript variant (2).
Genome position (GRCh38, 1-based): chr3:71,112,546, G>A on the plus strand (C>T on the coding strand, the complement: FOXP1 is on the minus strand). VCF-style: chr3-71112546-G-A. GRCh37 (hg19) VCF-style: chr3-71161697-G-A.
Other names: c.272C>T, p.Pro91Leu (NM_001244808.3, NM_001244810.2, NM_001244812.3 and 6 more transcripts); c.-29C>T (NM_001244815.2, NM_001349337.2, NM_001349342.3 and 2 more transcripts); short protein forms P91L.
Identifiers: ClinVar variation 2874287 (VCV002874287.3), dbSNP rs775896717, ClinGen allele CA2491303.